The following is an entry in ClinVar:

ClinVar aggregate classification (germline): Uncertain significance. Review status: criteria provided, multiple submitters, no conflicts (2 of 4 stars). 2 submissions from 2 submitters: Uncertain significance (2). Last evaluated 2026-06-06.

Conditions:
Cardiovascular phenotype. Identifiers: MedGen CN230736.

gnomAD v4.1: 1 of 1,613,954 alleles (0.000062%); highest among the groups gnomAD compares: African/African-American, 0.0013%; no homozygotes.

Submissions (2):

Ambry Genetics
Classification: Uncertain significance for Cardiovascular phenotype. Last evaluated: 2026-06-06. Review status: criteria provided, single submitter. Criteria: Ambry Variant Classification Scheme 2023. Collection method: clinical testing. Allele origin: germline.
Comment: The p.D2799E variant (also known as c.8397T>A), located in coding exon 38 of the ANK2 gene, results from a T to A substitution at nucleotide position 8397. The aspartic acid at codon 2799 is replaced by glutamic acid, an amino acid with highly similar properties. This amino acid position is conserved. In addition, this alteration is predicted to be tolerated by in silico analysis. Based on the available evidence, the clinical significance of this variant remains unclear.

Revvity Omics, Revvity
Classification: Uncertain significance. Last evaluated: 2021-05-12. Review status: criteria provided, single submitter. Criteria: ACMG Guidelines, 2015. Collection method: clinical testing. Allele origin: germline.

NM_001148.6(ANK2):c.8397T>A (p.Asp2799Glu)

Gene: ANK2 (ankyrin 2; plus strand). Cytogenetic location: 4q26.
Variant type: single nucleotide variant.
Coding change: c.8397T>A on transcript NM_001148.6 (MANE Select); coding-DNA position 8397, T replaced by A.
Protein change: p.Asp2799Glu; replaces aspartic acid 2799 with glutamic acid.
Molecular consequence: missense variant. On other transcripts: intron variant (68).
Genome position (GRCh38, 1-based): chr4:113,357,015, T>A. VCF-style: chr4-113357015-T-A. GRCh37 (hg19) VCF-style: chr4-114278171-T-A.
Other names: c.8163T>A, p.Asp2721Glu (NM_001386142.1); c.4797T>A, p.Asp1599Glu (NM_001386166.1); c.8538T>A, p.Asp2846Glu (NM_001386174.1); c.8514T>A, p.Asp2838Glu (NM_001386175.1); c.4412-3808T>A (NM_001386186.2, NM_001386148.2); c.4214-3808T>A (NM_001354269.3); c.4292-3808T>A (NM_001386187.2); c.4253-3808T>A (NM_001386147.1); and 35 more; short protein forms D1599E, D2721E, D2799E, D2838E, D2846E.
Identifiers: ClinVar variation 2439080 (VCV002439080.4), dbSNP rs779002619, ClinGen allele CA3051763.